The following is an entry in ClinVar:

NM_018972.4(GDAP1):c.*830C>G

Gene: GDAP1 (ganglioside induced differentiation associated protein 1; plus strand). Cytogenetic location: 8q21.11.
Variant type: single nucleotide variant.
Coding change: c.*830C>G on transcript NM_018972.4 (MANE Select); 830 bases downstream of the stop codon, C replaced by G.
Molecular consequence: 3 prime UTR variant. On other transcripts: intron variant (1).
Genome position (GRCh38, 1-based): chr8:74,365,197, C>G. VCF-style: chr8-74365197-C-G. GRCh37 (hg19) VCF-style: chr8-75277432-C-G.
Other names: c.*830C>G (NM_001040875.4, NM_001362929.2, NM_001362930.2 and 1 more transcripts); c.694+2144C>G (NM_001362931.2).
Identifiers: ClinVar variation 363728 (VCV000363728.6), dbSNP rs4737414, ClinGen allele CA4785282.

ClinVar aggregate classification (germline): Benign. Review status: criteria provided, multiple submitters, no conflicts (2 of 4 stars). 3 submissions from 2 submitters: Benign (3). Last evaluated 2018-01-13.

Conditions:
Charcot-Marie-Tooth disease, axonal, with vocal cord paresis, autosomal recessive. Also called: CHARCOT-MARIE-TOOTH DISEASE, TYPE 4A, AXONAL FORM; CHARCOT-MARIE-TOOTH NEUROPATHY, AXONAL, WITH VOCAL CORD PARESIS, AUTOSOMAL RECESSIVE; CMT2 WITH VOCAL CORD PARESIS, AUTOSOMAL RECESSIVE. Identifiers: Orphanet 101097, MedGen C1843183, MONDO:0011898, OMIM 607706.
Charcot-Marie-Tooth disease recessive intermediate A (CMTRIA). Also called: CHARCOT-MARIE-TOOTH NEUROPATHY, RECESSIVE INTERMEDIATE A. Identifiers: Orphanet 217055, MedGen C1842197, MONDO:0012014, OMIM 608340.

Allele frequency attached by ClinVar (database versions not stated): gnomAD 0.18198 and 0.18750; TOPMed 0.19983; gnomAD exomes 0.21565 and 0.24050; ExAC 0.23337; 1000 Genomes Project 0.23343; 1000 Genomes Project 30x 0.23438.
gnomAD v4.1: 93,314 of 453,934 alleles (21%); highest among the groups gnomAD compares: Admixed American, 37%; 10,841 homozygotes.

Submissions (3):

Illumina Laboratory Services, Illumina
Classification: Benign for Charcot-Marie-Tooth disease, axonal, with vocal cord paresis, autosomal recessive. Last evaluated: 2018-01-13. Review status: criteria provided, single submitter. Criteria: ICSL Variant Classification Criteria 13 December 2019. Collection method: clinical testing. Allele origin: germline.
Comment: This variant was observed in the ICSL laboratory as part of a predisposition screen in an ostensibly healthy population. It had not been previously curated by ICSL or reported in the Human Gene Mutation Database (HGMD: prior to June 1st, 2018), and was therefore a candidate for classification through an automated scoring system. Utilizing variant allele frequency, disease prevalence and penetrance estimates, and inheritance mode, an automated score was calculated to assess if this variant is too frequent to cause the disease. Based on the score and internal cut-off values, a variant classified as benign is not then subjected to further curation. The score for this variant resulted in a classification of benign for this disease.

Illumina Laboratory Services, Illumina
Classification: Benign for Charcot-Marie-Tooth disease recessive intermediate A. Last evaluated: 2018-01-13. Review status: criteria provided, single submitter. Criteria: ICSL Variant Classification Criteria 13 December 2019. Collection method: clinical testing. Allele origin: germline.
Comment: the same text as in the submission from Illumina Laboratory Services, Illumina above.

Breakthrough Genomics
Classification: Benign. Review status: criteria provided, single submitter. Criteria: ACMG Guidelines, 2015. Collection method: not provided. Allele origin: germline. Inheritance: Autosomal recessive inheritance. Affected: yes.